The following is an entry in ClinVar:

NM_003118.4(SPARC):c.203C>T (p.Ala68Val)

Gene: SPARC (secreted protein acidic and cysteine rich; minus strand). Cytogenetic location: 5q33.1.
Variant type: single nucleotide variant.
Coding change: c.203C>T on transcript NM_003118.4 (MANE Select); coding-DNA position 203, C replaced by T.
Protein change: p.Ala68Val; replaces alanine 68 with valine.
Molecular consequence: missense variant.
Genome position (GRCh38, 1-based): chr5:151,673,134, G>A on the plus strand (C>T on the coding strand, the complement: SPARC is on the minus strand). VCF-style: chr5-151673134-G-A. GRCh37 (hg19) VCF-style: chr5-151052695-G-A.
Other names: c.200C>T, p.Ala67Val (NM_001309443.2); c.203C>T, p.Ala68Val (NM_001309444.2); short protein forms A68V, A67V.
Identifiers: ClinVar variation 1957342 (VCV001957342.2), dbSNP rs1259607627, ClinGen allele CA361835961.

ClinVar aggregate classification (germline): Uncertain significance (1 of 4 stars; one submission).

Allele frequency attached by ClinVar (database versions not stated): gnomAD 0.00001; gnomAD exomes 0.00001; TOPMed 0.00001.
gnomAD v4.1: 10 of 1,612,394 alleles (0.00062%); highest among the groups gnomAD compares: East Asian, 0.0022%; no homozygotes.

Submission:

Labcorp Genetics (formerly Invitae), Labcorp
Classification: Uncertain significance. Last evaluated: 2022-01-22. Review status: criteria provided, single submitter. Criteria: Invitae Variant Classification Sherloc (09022015). Collection method: clinical testing. Allele origin: germline.
Comment: This sequence change replaces alanine, which is neutral and non-polar, with valine, which is neutral and non-polar, at codon 68 of the SPARC protein (p.Ala68Val). This variant is present in population databases (no rsID available, gnomAD 0.003%). This variant has not been reported in the literature in individuals affected with SPARC-related conditions. Algorithms developed to predict the effect of missense changes on protein structure and function (SIFT, PolyPhen-2, Align-GVGD) all suggest that this variant is likely to be tolerated. In summary, the available evidence is currently insufficient to determine the role of this variant in disease. Therefore, it has been classified as a Variant of Uncertain Significance.